The following is an entry in ClinVar:

NM_033380.3(COL4A5):c.1063A>G (p.Ile355Val)

Gene: COL4A5 (collagen type IV alpha 5 chain; plus strand). Cytogenetic location: Xq22.3.
Variant type: single nucleotide variant.
Coding change: c.1063A>G on transcript NM_033380.3 (MANE Select); coding-DNA position 1063, A replaced by G.
Protein change: p.Ile355Val; replaces isoleucine 355 with valine.
Molecular consequence: missense variant.
Genome position (GRCh38, 1-based): chrX:108,586,645, A>G. VCF-style: chrX-108586645-A-G. GRCh37 (hg19) VCF-style: chrX-107829875-A-G.
Other names: c.1063A>G, p.Ile355Val (NM_000495.5); short protein forms I355V.
Identifiers: ClinVar variation 2661167 (VCV002661167.24), dbSNP rs867118537, ClinGen allele CA413930002.

ClinVar aggregate classification (germline): Uncertain significance (1 of 4 stars; one submission).

gnomAD v4.1: 7 of 1,207,003 alleles (0.00058%); highest among the groups gnomAD compares: Non-Finnish European, 0.00078%; no homozygotes.

Submission:

CeGaT Center for Human Genetics Tuebingen
Classification: Uncertain significance. Last evaluated: 2023-10-01. Review status: criteria provided, single submitter. Criteria: CeGaT Center For Human Genetics Tuebingen Variant Classification Criteria Version 2. Collection method: clinical testing. Allele origin: germline. Affected: yes. Observed: 1 variant allele.
Comment: COL4A5: PM2, BP4